The following is an entry in ClinVar:

ClinVar aggregate classification (germline): Conflicting classifications of pathogenicity. Review status: criteria provided, conflicting classifications (1 of 4 stars). 5 submissions from 5 submitters: Uncertain significance (1); Likely benign (4). Last evaluated 2026-01-28.

Conditions:
LAMA2-related muscular dystrophy (LAMA2-RD). Also called: Laminin alpha 2-related dystrophy. Identifiers: MedGen C5679788, MONDO:0100228.

Allele frequency attached by ClinVar (database versions not stated): ExAC 0.00025; ESP Exome Variant Server 0.00038; TOPMed 0.00046; 1000 Genomes Project 30x 0.00047; 1000 Genomes Project 0.00060; gnomAD 0.00082; gnomAD exomes 0.00017.
gnomAD v4.1: 228 of 1,488,910 alleles (0.015%); highest among the groups gnomAD compares: African/African-American, 0.18%; no homozygotes.

Submissions (5):

Labcorp Genetics (formerly Invitae), Labcorp
Classification: Likely benign for LAMA2-related muscular dystrophy. Last evaluated: 2026-01-28. Review status: criteria provided, single submitter. Criteria: Invitae Variant Classification Sherloc (09022015). Collection method: clinical testing. Allele origin: germline.

Mayo Clinic Laboratories, Mayo Clinic
Classification: Likely benign. Last evaluated: 2025-07-17. Review status: criteria provided, single submitter. Criteria: ACMG Guidelines, 2015. Collection method: clinical testing. Allele origin: germline. Observed: 1 variant allele.
Comment: BP4, BP7

Blueprint Genetics
Classification: Likely benign. Last evaluated: 2024-04-10. Review status: criteria provided, single submitter. Criteria: ACMG Guidelines, 2015. Collection method: clinical testing. Allele origin: germline.

GeneDx
Classification: Likely benign. Last evaluated: 2021-02-02. Review status: criteria provided, single submitter. Criteria: GeneDx Variant Classification Process June 2021. Collection method: clinical testing. Allele origin: germline. Affected: yes.

Eurofins Ntd Llc (ga)
Classification: Uncertain significance. Last evaluated: 2014-05-20. Review status: criteria provided, single submitter. Criteria: EGL Classification Definitions 2015. Collection method: clinical testing. Allele origin: germline. Observed: 1 variant allele, 1 heterozygote.

NM_000426.4(LAMA2):c.7440-9G>A

Gene: LAMA2 (laminin subunit alpha 2; plus strand). Cytogenetic location: 6q22.33.
Variant type: single nucleotide variant.
Coding change: c.7440-9G>A on transcript NM_000426.4 (MANE Select); 9 bases into the intron before coding-DNA position 7440, G replaced by A.
Molecular consequence: intron variant.
Genome position (GRCh38, 1-based): chr6:129,475,381, G>A. VCF-style: chr6-129475381-G-A. GRCh37 (hg19) VCF-style: chr6-129796526-G-A.
Other names: p.?; c.7439+2029G>A (NM_001079823.2).
Identifiers: ClinVar variation 197945 (VCV000197945.21), dbSNP rs369558532, ClinGen allele CA246351.